The following is an entry in ClinVar:

ClinVar aggregate classification (germline): Likely benign. Review status: criteria provided, multiple submitters, no conflicts (2 of 4 stars). 3 submissions from 3 submitters: Likely benign (3). Last evaluated 2026-01-26.

Conditions:
ADGRV1-related disorder. Also called: ADGRV1-related condition; ADGRV1-related disorders.

Allele frequency attached by ClinVar (database versions not stated): gnomAD exomes below 0.00001; gnomAD 0.00002.
gnomAD v4.1: 4 of 1,613,862 alleles (0.00025%); highest among the groups gnomAD compares: African/African-American, 0.0053%; no homozygotes.

Submissions (3):

Labcorp Genetics (formerly Invitae), Labcorp
Classification: Likely benign. Last evaluated: 2026-01-26. Review status: criteria provided, single submitter. Criteria: Invitae Variant Classification Sherloc (09022015). Collection method: clinical testing. Allele origin: germline.

PreventionGenetics, part of Exact Sciences
Classification: Likely benign for ADGRV1-related condition. Last evaluated: 2025-01-06. Review status: criteria provided, single submitter. Criteria: ACMG Guidelines, 2015. Collection method: clinical testing. Allele origin: germline.
Comment: This variant is classified as likely benign based on ACMG/AMP sequence variant interpretation guidelines (Richards et al. 2015 PMID: 25741868, with internal and published modifications).

Women's Health and Genetics/Laboratory Corporation of America, LabCorp
Classification: Likely benign. Last evaluated: 2024-06-10. Review status: criteria provided, single submitter. Criteria: LabCorp Variant Classification Summary - May 2015. Collection method: clinical testing. Allele origin: germline.

NM_032119.4(ADGRV1):c.3990T>C (p.Phe1330=)

Gene: ADGRV1 (adhesion G protein-coupled receptor V1; plus strand). Cytogenetic location: 5q14.3.
Variant type: single nucleotide variant.
Coding change: c.3990T>C on transcript NM_032119.4 (MANE Select); coding-DNA position 3990, T replaced by C.
Protein change: p.Phe1330=; no amino-acid change (phenylalanine 1330 retained).
Molecular consequence: synonymous variant. On other transcripts: non-coding transcript variant (1).
Genome position (GRCh38, 1-based): chr5:90,653,564, T>C. VCF-style: chr5-90653564-T-C. GRCh37 (hg19) VCF-style: chr5-89949381-T-C.
Other names: c.3990T>C (NM_032119.3).
Identifiers: ClinVar variation 1144528 (VCV001144528.11), dbSNP rs1437571873, ClinGen allele CA445465957.